The following is an entry in ClinVar:

NM_001177316.2(SLC34A3):c.1776G>C (p.Glu592Asp)

Genes: SLC34A3 (solute carrier family 34 member 3; plus strand), LOC130003098 (ATAC-STARR-seq lymphoblastoid silent region 20596; plus strand). Cytogenetic location: 9q34.3.
Variant type: single nucleotide variant.
Coding change: c.1776G>C on transcript NM_001177316.2 (MANE Select); coding-DNA position 1776, G replaced by C.
Protein change: p.Glu592Asp; replaces glutamic acid 592 with aspartic acid.
Molecular consequence: missense variant.
Genome position (GRCh38, 1-based): chr9:137,236,392, G>C. VCF-style: chr9-137236392-G-C. GRCh37 (hg19) VCF-style: chr9-140130844-G-C.
Other names: c.1776G>C, p.Glu592Asp (NM_001177317.2, NM_080877.3); short protein forms E592D.
Identifiers: ClinVar variation 1946490 (VCV001946490.5), dbSNP rs1304999001, ClinGen allele CA375742530.
Genomic context (GRCh38, chr9:137,236,392, plus strand): 5'-CAACGTCTGCAGCCCCCCGAAGGCCACCACCAAAGAGGCCTACTGCTACGAGAACCCTGA[G>C]ATCTTGGCCTCCCAGCAGTTGTGACGGGCAGTTGCTGAGCAGACCGCCCCACCCTCCCCG-3'
Protein context (NP_001170787.2, residues 582-599): TKEAYCYENP[Glu592Asp]ILASQQL

ClinVar aggregate classification (germline): Uncertain significance (1 of 4 stars; one submission).

Submission:

Labcorp Genetics (formerly Invitae), Labcorp
Classification: Uncertain significance. Last evaluated: 2022-07-25. Review status: criteria provided, single submitter. Criteria: Invitae Variant Classification Sherloc (09022015). Collection method: clinical testing. Allele origin: germline.
Comment: This variant is not present in population databases (gnomAD no frequency). This sequence change replaces glutamic acid, which is acidic and polar, with aspartic acid, which is acidic and polar, at codon 592 of the SLC34A3 protein (p.Glu592Asp). This variant has not been reported in the literature in individuals affected with SLC34A3-related conditions. In summary, the available evidence is currently insufficient to determine the role of this variant in disease. Therefore, it has been classified as a Variant of Uncertain Significance. Algorithms developed to predict the effect of missense changes on protein structure and function (SIFT, PolyPhen-2, Align-GVGD) all suggest that this variant is likely to be tolerated.